The following is an entry in ClinVar:

NM_015102.5(NPHP4):c.4141-11C>T

Gene: NPHP4 (nephrocystin 4; minus strand). Cytogenetic location: 1p36.31.
Variant type: single nucleotide variant.
Coding change: c.4141-11C>T on transcript NM_015102.5 (MANE Select); 11 bases into the intron before coding-DNA position 4141, C replaced by T.
Molecular consequence: intron variant.
Genome position (GRCh38, 1-based): chr1:5,863,416, G>A on the plus strand (C>T on the coding strand, the complement: NPHP4 is on the minus strand). VCF-style: chr1-5863416-G-A. GRCh37 (hg19) VCF-style: chr1-5923476-G-A.
Other names: c.4141-11C>T (NM_015102.4); c.2605-11C>T (NM_001291594.2); c.2602-11C>T (NM_001291593.2).
Identifiers: ClinVar variation 260560 (VCV000260560.17), dbSNP rs139203183, ClinGen allele CA553320.
Genomic context (GRCh38, chr1:5,863,416, plus strand): 5'-TGACTAGGCGCAAACTGCAAGCCGATGGTGTAGGTCTCTCCACCCCCGACCTGGAAATAA[G>A]CATCCAAATCCCAGCATCCACCCCCGGGCTGTCCCACGCTCTCACCAGCAACCTCTCTGC-3'

ClinVar aggregate classification (germline): Conflicting classifications of pathogenicity. Review status: criteria provided, conflicting classifications (1 of 4 stars). 5 submissions from 4 submitters: Uncertain significance (2); Benign (1); Likely benign (1). 1 of the submissions does not count toward it. Last evaluated 2026-01-16.

Conditions:
Senior-Loken syndrome 4 (SLSN4). Identifiers: Orphanet 3156, MedGen C1846979, MONDO:0011756, OMIM 606996.
Nephronophthisis 4 (NPHP4). Also called: NEPHRONOPHTHISIS 4, JUVENILE. Identifiers: Orphanet 655, MedGen C1847013, MONDO:0011752, OMIM 606966.
NPHP4-related disorder. Also called: NPHP4-related disorders; NPHP4-related condition. Identifiers: MedGen CN239384.
Nephronophthisis. Also called: Juvenile Nephronophthisis. Identifiers: Orphanet 655, MedGen C0687120, MONDO:0019005, HP:0000090.

Allele frequency attached by ClinVar (database versions not stated): 1000 Genomes Project 30x 0.00031; 1000 Genomes Project 0.00040; ExAC 0.00054; TOPMed 0.00057; gnomAD exomes 0.00061 and 0.00100; gnomAD 0.00065 and 0.00066; ESP Exome Variant Server 0.00088.
gnomAD v4.1: 1,514 of 1,594,414 alleles (0.095%); highest among the groups gnomAD compares: Non-Finnish European, 0.12%; no homozygotes.

Submissions (5):

Labcorp Genetics (formerly Invitae), Labcorp
Classification: Benign for Nephronophthisis. Last evaluated: 2026-01-16. Review status: criteria provided, single submitter. Criteria: Invitae Variant Classification Sherloc (09022015). Collection method: clinical testing. Allele origin: germline.

Blueprint Genetics
Classification: Likely benign. Last evaluated: 2024-11-25. Review status: criteria provided, single submitter. Criteria: ACMG Guidelines, 2015. Collection method: clinical testing. Allele origin: germline.

Illumina Laboratory Services, Illumina
Classification: Uncertain significance for Senior-Loken syndrome 4. Last evaluated: 2018-01-13. Review status: criteria provided, single submitter. Criteria: ICSL Variant Classification Criteria 13 December 2019. Collection method: clinical testing. Allele origin: germline.

Illumina Laboratory Services, Illumina
Classification: Uncertain significance for Nephronophthisis 4. Last evaluated: 2018-01-13. Review status: criteria provided, single submitter. Criteria: ICSL Variant Classification Criteria 13 December 2019. Collection method: clinical testing. Allele origin: germline.

PreventionGenetics, part of Exact Sciences
Classification: Likely benign for NPHP4-related condition. Last evaluated: 2023-09-14. Review status: no assertion criteria provided. Collection method: clinical testing. Allele origin: germline. Not counted in ClinVar's aggregate classification.
Comment: This variant is classified as likely benign based on ACMG/AMP sequence variant interpretation guidelines (Richards et al. 2015 PMID: 25741868, with internal and published modifications).